The following is an entry in ClinVar:

ClinVar aggregate classification (germline): Conflicting classifications of pathogenicity. Review status: criteria provided, conflicting classifications (1 of 4 stars). 6 submissions from 6 submitters: Uncertain significance (5); Benign (1). Last evaluated 2025-12-29.

Conditions:
Hereditary cancer-predisposing syndrome. Also called: Neoplastic Syndromes, Hereditary; Hereditary neoplastic syndrome; Tumor predisposition; Hereditary Cancer Syndrome. Identifiers: Orphanet 140162, MedGen C0027672, MeSH D009386, MONDO:0015356.
Tuberous sclerosis syndrome (TSC). Also called: Tuberous Sclerosis Complex; Tuberous sclerosis. Identifiers: Orphanet 805, MedGen C0041341, MONDO:0001734.
Tuberous sclerosis 1 (TSC1). Identifiers: Orphanet 805, MedGen C1854465, MONDO:0008612, OMIM 191100.

Allele frequency attached by ClinVar (database versions not stated): gnomAD 0.00001.
gnomAD v4.1: 7 of 1,613,222 alleles (0.00043%); highest among the groups gnomAD compares: East Asian, 0.0022%; no homozygotes.

Submissions (6):

Labcorp Genetics (formerly Invitae), Labcorp
Classification: Benign for Tuberous sclerosis 1. Last evaluated: 2025-12-29. Review status: criteria provided, single submitter. Criteria: Invitae Variant Classification Sherloc (09022015). Collection method: clinical testing. Allele origin: germline.

Color Diagnostics, LLC DBA Color Health
Classification: Uncertain significance for Tuberous sclerosis syndrome. Last evaluated: 2025-06-24. Review status: criteria provided, single submitter. Criteria: ACMG Guidelines, 2015. Collection method: clinical testing. Allele origin: germline.
Comment: This missense variant replaces arginine with cysteine at codon 37 of the TSC1 protein. Computational prediction suggests that this variant may have deleterious impact on protein structure and function. To our knowledge, functional studies have not been reported for this variant. This variant has not been reported in individuals affected with TSC1-related disorders in the literature. This variant has been identified in 1/31362 chromosomes in the general population by the Genome Aggregation Database (gnomAD). The available evidence is insufficient to determine the role of this variant in disease conclusively. Therefore, this variant is classified as a Variant of Uncertain Significance.

Ambry Genetics
Classification: Uncertain significance for Hereditary cancer-predisposing syndrome. Last evaluated: 2025-02-11. Review status: criteria provided, single submitter. Criteria: Ambry Variant Classification Scheme 2023. Collection method: clinical testing. Allele origin: germline.
Comment: The p.R37C variant (also known as c.109C>T), located in coding exon 2 of the TSC1 gene, results from a C to T substitution at nucleotide position 109. The arginine at codon 37 is replaced by cysteine, an amino acid with highly dissimilar properties. This amino acid position is highly conserved in available vertebrate species. In addition, this alteration is predicted to be deleterious by in silico analysis. Based on the available evidence, the clinical significance of this variant remains unclear.

All of Us Research Program, National Institutes of Health
Classification: Uncertain significance for Tuberous sclerosis syndrome. Last evaluated: 2023-12-13. Review status: criteria provided, single submitter. Criteria: ACMG Guidelines, 2015. Collection method: clinical testing. Allele origin: germline. Inheritance: Autosomal dominant inheritance. Observed: 2 variant alleles, 2 heterozygotes.
Comment: This missense variant replaces arginine with cysteine at codon 37 of the TSC1 protein. Computational prediction suggests that this variant may have deleterious impact on protein structure and function (internally defined REVEL score threshold >= 0.7, PMID: 27666373). To our knowledge, functional studies have not been reported for this variant. This variant has not been reported in individuals affected with TSC1-related disorders in the literature. This variant has been identified in 1/31362 chromosomes in the general population by the Genome Aggregation Database (gnomAD). The available evidence is insufficient to determine the role of this variant in disease conclusively. Therefore, this variant is classified as a Variant of Uncertain Significance.

This study involves interpretation of variants in research participants for the purpose of population health screening. Participant phenotype was not available at the time of variant classification. Additional details can be found in publication PMID: 35346344, PMCID: PMC8962531

Genome-Nilou Lab
Classification: Uncertain significance for Tuberous sclerosis 1. Last evaluated: 2021-11-07. Review status: criteria provided, single submitter. Criteria: ACMG Guidelines, 2015. Collection method: clinical testing. Allele origin: germline. Affected: no.

GeneDx
Classification: Uncertain significance. Last evaluated: 2020-09-22. Review status: criteria provided, single submitter. Criteria: GeneDx Variant Classification Process June 2021. Collection method: clinical testing. Allele origin: germline. Affected: yes.
Comment: In silico analysis supports that this missense variant has a deleterious effect on protein structure/function; Has not been previously published as pathogenic or benign to our knowledge

NM_000368.5(TSC1):c.109C>T (p.Arg37Cys)

Gene: TSC1 (TSC complex subunit 1; minus strand). Cytogenetic location: 9q34.13.
Variant type: single nucleotide variant.
Coding change: c.109C>T on transcript NM_000368.5 (MANE Select); coding-DNA position 109, C replaced by T.
Protein change: p.Arg37Cys; replaces arginine 37 with cysteine.
Molecular consequence: missense variant. On other transcripts: intron variant (1).
Genome position (GRCh38, 1-based): chr9:132,927,302, G>A on the plus strand (C>T on the coding strand, the complement: TSC1 is on the minus strand). VCF-style: chr9-132927302-G-A. GRCh37 (hg19) VCF-style: chr9-135802689-G-A.
Other names: c.109C>T, p.Arg37Cys (NM_001162426.2, NM_001162427.2); c.-154+1465C>T (NM_001362177.2); short protein forms R37C.
Identifiers: ClinVar variation 534434 (VCV000534434.17), dbSNP rs1309560054, ClinGen allele CA375375235.